The following continues an entry in ClinVar:

NM_007294.4(BRCA1):c.5179A>T (p.Lys1727Ter)

Gene: BRCA1. ClinVar aggregate classification (germline): Pathogenic. Pathogenic (1).

Submissions 10 to 17 of 17:

Laboratory for Molecular Medicine, Mass General Brigham Personalized Medicine
Classification: Pathogenic for Hereditary breast ovarian cancer syndrome. Last evaluated: 2019-04-02. Review status: criteria provided, single submitter. Criteria: ACMG Guidelines, 2015. Collection method: clinical testing. Allele origin: germline. Inheritance: Autosomal dominant inheritance. Not counted in ClinVar's aggregate classification.
Comment: The p.Lys1727X variant in BRCA1 has been reported in at least 10 individuals with hereditary breast and/or ovarian cancer (HBOC) and segregated with disease in 1 affected relative (Gayther 1995, Kroiss 2005, Rebbeck 2018, BIC database). It was absent from large population studies. This nonsense variant leads to a premature termination codon at position 1727, which is predicted to lead to a truncated or absent protein. Loss-of-function of the BRCA1 gene is an established disease mechanism in autosomal dominant HBOC. In vitro functional studies support an impact on protein function (Findlay 2018). In addition, this variant was classified as Pathogenic by the ClinGen-approved ENIGMA expert panel (Variation ID: 37645). In summary, this variant meets criteria to be classified as pathogenic for autosomal dominant HBOC. ACMG/AMP Criteria applied: PVS1, PM2, PS4_Moderate.

Molecular Genetics Laboratory, University of Michigan
Classification: Pathogenic for Breast-ovarian cancer, familial, susceptibility to, 1. Last evaluated: 2016-04-21. Review status: criteria provided, single submitter. Criteria: ACMG Guidelines, 2015. Collection method: clinical testing. Allele origin: germline. Affected: yes. Not counted in ClinVar's aggregate classification.

Consortium of Investigators of Modifiers of BRCA1/2 (CIMBA), c/o University of Cambridge
Classification: Pathogenic for Breast-ovarian cancer, familial, susceptibility to, 1. Last evaluated: 2015-10-02. Review status: criteria provided, single submitter. Criteria: CIMBA Mutation Classification guidelines May 2016. Collection method: clinical testing. Allele origin: germline. Not counted in ClinVar's aggregate classification.

Counsyl
Classification: Pathogenic for Breast-ovarian cancer, familial, susceptibility to, 1. Last evaluated: 2016-11-03. Review status: no assertion criteria provided. Collection method: clinical testing. Allele origin: unknown. Not counted in ClinVar's aggregate classification.

Research Molecular Genetics Laboratory, Women's College Hospital, University of Toronto
Classification: Pathogenic for Hereditary breast ovarian cancer syndrome. Last evaluated: 2014-01-31. Review status: no assertion criteria provided. Collection method: research. Allele origin: germline. Affected: yes. Study: The Canadian Open Genetics Repository (COGR). Not counted in ClinVar's aggregate classification.

Sharing Clinical Reports Project (SCRP)
Classification: Pathogenic for Breast-ovarian cancer, familial 1. Last evaluated: 2012-05-10. Review status: no assertion criteria provided. Collection method: clinical testing. Allele origin: germline. Not counted in ClinVar's aggregate classification.

Breast Cancer Information Core (BIC) (BRCA1)
Classification: Pathogenic for Breast-ovarian cancer, familial 1. Last evaluated: 2002-05-29. Review status: no assertion criteria provided. Collection method: clinical testing. Allele origin: germline, unknown. Affected: yes. Observed: 9 variant alleles. Not counted in ClinVar's aggregate classification.

Brotman Baty Institute, University of Washington
No classification provided (evidence only). Condition: Breast-ovarian cancer, familial 1. Review status: no classification provided. Collection method: in vitro. Allele origin: not applicable. Functional consequence: functionally_abnormal. Not counted in ClinVar's aggregate classification.
ClinVar note: "not provided" was previously submitted as the classification for the variant. However, the classification appeared to be based only on an observation of functional data so it was converted to no classification on 2025-07-30.

Literature cited by the submitters: PubMed 20104584 (cited by Labcorp Genetics (formerly Invitae), Labcorp); PubMed 7493024 (cited by 8 submitters); PubMed 16287141 (cited by 6 submitters); PubMed 10699917 (cited by 3 submitters); PubMed 11802209 (cited by 6 submitters); PubMed 28145423 (cited by Ambry Genetics); PubMed 29446198 (cited by 5 submitters); PubMed 30209399 (cited by 4 submitters); PubMed 32125938 (cited by Ambry Genetics); PubMed 33471991 (cited by Ambry Genetics and Sema4); PubMed 17661172 (cited by All of Us Research Program, National Institutes of Health); PubMed 21989022 (cited by All of Us Research Program, National Institutes of Health); PubMed 22762150 (cited by All of Us Research Program, National Institutes of Health); PubMed 25525159 (cited by Mayo Clinic Laboratories, Mayo Clinic).